The following is an entry in ClinVar:

ClinVar aggregate classification (germline): Likely pathogenic (0 of 4 stars; one submission).

Conditions:
ENPP1-related disorder. Also called: ENPP1-related condition; ENPP1-related disorders.

Submission:

PreventionGenetics, part of Exact Sciences
Classification: Likely pathogenic for ENPP1-related condition. Last evaluated: 2024-02-09. Review status: no assertion criteria provided. Collection method: clinical testing. Allele origin: germline.
Comment: The ENPP1 c.1701delT variant is predicted to result in a frameshift and premature protein termination (p.Ile567Metfs*6). To our knowledge, this variant has not been reported in the literature or in a large population database, indicating this variant is rare. Frameshift variants in ENPP1 are expected to be pathogenic. This variant is interpreted as likely pathogenic.

NM_006208.3(ENPP1):c.1701del (p.Ile567fs)

Gene: ENPP1 (ectonucleotide pyrophosphatase/phosphodiesterase 1; plus strand). Cytogenetic location: 6q23.2.
Variant type: Deletion.
Coding change: c.1701del on transcript NM_006208.3 (MANE Select); coding-DNA position 1701, one base deleted (T; older notation c.1701delT).
Protein change: p.Ile567fs; shifts the reading frame from isoleucine 567.
Molecular consequence: frameshift variant.
Genome position (GRCh38, 1-based): chr6:131,875,841, T deleted; the last of 2 consecutive T bases (chr6:131,875,840-131,875,841); deleting either gives the same sequence. VCF-style (leftmost placement, unchanged base first): chr6-131875839-AT-A. GRCh37 (hg19) VCF-style: chr6-132196979-AT-A.
Other names: short protein forms I567fs.
Identifiers: ClinVar variation 3061114 (VCV003061114.2), dbSNP rs2483510755, ClinGen allele CA2578743099.